The following is an entry in ClinVar:

ClinVar aggregate classification (germline): Uncertain significance (1 of 4 stars; one submission).

Conditions:
PMS2-related disorder. Also called: PMS2-related condition.

Submission:

PreventionGenetics, part of Exact Sciences
Classification: Uncertain significance for PMS2-related condition. Last evaluated: 2024-11-09. Review status: criteria provided, single submitter. Criteria: ACMG Guidelines, 2015. Collection method: clinical testing. Allele origin: germline.
Comment: The PMS2 c.1711C>T variant is predicted to result in the amino acid substitution p.Leu571Phe. To our knowledge, this variant has not been reported in the literature or in a large population database (gnomAD), indicating this variant is rare. At this time, the clinical significance of this variant is uncertain due to the absence of conclusive functional and genetic evidence.

NM_000535.7(PMS2):c.1711C>T (p.Leu571Phe)

Gene: PMS2 (PMS1 homolog 2, mismatch repair system component; minus strand). Cytogenetic location: 7p22.1.
Variant type: single nucleotide variant.
Coding change: c.1711C>T on transcript NM_000535.7 (MANE Select); coding-DNA position 1711, C replaced by T.
Protein change: p.Leu571Phe; replaces leucine 571 with phenylalanine.
Molecular consequence: missense variant. On other transcripts: non-coding transcript variant (1), intron variant (1).
Genome position (GRCh38, 1-based): chr7:5,987,054, G>A on the plus strand (C>T on the coding strand, the complement: PMS2 is on the minus strand). VCF-style: chr7-5987054-G-A. GRCh37 (hg19) VCF-style: chr7-6026685-G-A.
Other names: c.1306C>T, p.Leu436Phe (NM_001322003.2, NM_001322004.2, NM_001322005.2 and 16 more transcripts); c.1555C>T, p.Leu519Phe (NM_001322006.2, NM_001406870.1); c.1393C>T, p.Leu465Phe (NM_001322007.2, NM_001322008.2, NM_001406876.1 and 2 more transcripts); c.1150C>T, p.Leu384Phe (NM_001322010.2, NM_001406906.1, NM_001406907.1); c.778C>T, p.Leu260Phe (NM_001322011.2, NM_001322012.2); c.1138C>T, p.Leu380Phe (NM_001322013.2, NM_001406909.1); c.1711C>T, p.Leu571Phe (NM_001322014.2, NM_001406871.1, NM_001406872.1); c.1402C>T, p.Leu468Phe (NM_001322015.2, NM_001406875.1, NM_001406877.1 and 5 more transcripts); and 13 more; short protein forms L384F, L449F, L505F, L571F, L579F, L400F, L413F, L416F.
Identifiers: ClinVar variation 5002217 (VCV005002217.1).